The following is an entry in ClinVar:

ClinVar aggregate classification (germline): Benign/Likely benign. Review status: criteria provided, multiple submitters, no conflicts (2 of 4 stars). 7 submissions from 7 submitters: Benign (6); Likely benign (1). Last evaluated 2026-07-01.

Conditions:
Polyglucosan body myopathy type 2. Identifiers: Orphanet 456369, MedGen C4015452, MONDO:0014526, OMIM 616199.
Glycogen storage disease XV (GSD15). Also called: GLYCOGENIN DEFICIENCY; GSD XV. Identifiers: Orphanet 263297, MedGen C3150754, MONDO:0013291, OMIM 613507.

Allele frequency attached by ClinVar (database versions not stated): 1000 Genomes Project 0.00280; 1000 Genomes Project 30x 0.00297; ExAC 0.00707; gnomAD exomes 0.00723 and 0.01221; gnomAD 0.00767 and 0.00795; TOPMed 0.00787; ESP Exome Variant Server 0.00938.
gnomAD v4.1: 18,852 of 1,610,978 alleles (1.2%); highest among the groups gnomAD compares: Non-Finnish European, 1.5%; 158 homozygotes.

Submissions (7):

CeGaT Center for Human Genetics Tuebingen
Classification: Benign. Last evaluated: 2026-07-01. Review status: criteria provided, single submitter. Criteria: CeGaT Center For Human Genetics Tuebingen Variant Classification Criteria Version 2. Collection method: clinical testing. Allele origin: germline. Affected: yes. Observed: 25 variant alleles.
Comment: GYG1: BP4, BP7, BS1, BS2

Labcorp Genetics (formerly Invitae), Labcorp
Classification: Benign for Polyglucosan body myopathy type 2; Glycogen storage disease XV. Last evaluated: 2026-02-01. Review status: criteria provided, single submitter. Criteria: Invitae Variant Classification Sherloc (09022015). Collection method: clinical testing. Allele origin: germline.

ARUP Laboratories, Molecular Genetics and Genomics, ARUP Laboratories
Classification: Benign. Last evaluated: 2025-07-31. Review status: criteria provided, single submitter. Criteria: ARUP Molecular Germline Variant Investigation Process 2024. Collection method: clinical testing. Allele origin: germline.

Blueprint Genetics
Classification: Likely benign. Last evaluated: 2024-11-25. Review status: criteria provided, single submitter. Criteria: ACMG Guidelines, 2015. Collection method: clinical testing. Allele origin: germline.

Mayo Clinic Laboratories, Mayo Clinic
Classification: Benign. Last evaluated: 2024-03-15. Review status: criteria provided, single submitter. Criteria: ACMG Guidelines, 2015. Collection method: clinical testing. Allele origin: germline. Observed: 12 variant alleles.

GeneDx
Classification: Benign. Last evaluated: 2016-12-05. Review status: criteria provided, single submitter. Criteria: GeneDx Variant Classification (06012015). Collection method: clinical testing. Allele origin: germline. Affected: yes.
Comment: This variant is considered likely benign or benign based on one or more of the following criteria: it is a conservative change, it occurs at a poorly conserved position in the protein, it is predicted to be benign by multiple in silico algorithms, and/or has population frequency not consistent with disease.

Breakthrough Genomics
Classification: Benign. Review status: criteria provided, single submitter. Criteria: ACMG Guidelines, 2015. Collection method: not provided. Allele origin: germline. Inheritance: Autosomal recessive inheritance. Affected: yes.

NM_004130.4(GYG1):c.159A>G (p.Thr53=)

Gene: GYG1 (glycogenin 1; plus strand). Cytogenetic location: 3q24.
Variant type: single nucleotide variant.
Coding change: c.159A>G on transcript NM_004130.4 (MANE Select); coding-DNA position 159, A replaced by G.
Protein change: p.Thr53=; no amino-acid change (threonine 53 retained).
Molecular consequence: synonymous variant.
Genome position (GRCh38, 1-based): chr3:148,996,317, A>G. VCF-style: chr3-148996317-A-G. GRCh37 (hg19) VCF-style: chr3-148714104-A-G.
Other names: p.Thr53=; c.159A>G, p.Thr53= (NM_001184720.2, NM_001184721.2).
Identifiers: ClinVar variation 380453 (VCV000380453.45), dbSNP rs148619511, ClinGen allele CA2658488.